The following is an entry in ClinVar:

ClinVar aggregate classification (germline): Uncertain significance (1 of 4 stars; one submission).

gnomAD v4.1: 3 of 1,596,366 alleles (0.00019%); no homozygotes.

Submission:

Labcorp Genetics (formerly Invitae), Labcorp
Classification: Uncertain significance. Last evaluated: 2025-07-02. Review status: criteria provided, single submitter. Criteria: Invitae Variant Classification Sherloc (09022015). Collection method: clinical testing. Allele origin: germline.
Comment: This sequence change replaces glycine, which is neutral and non-polar, with aspartic acid, which is acidic and polar, at codon 609 of the RASA2 protein (p.Gly609Asp). This variant also falls at the last nucleotide of exon 18, which is part of the consensus splice site for this exon. This variant is present in population databases (rs777185330, gnomAD 0.02%). This variant has not been reported in the literature in individuals affected with RASA2-related conditions. An algorithm developed to predict the effect of missense changes on protein structure and function (PolyPhen-2) suggests that this variant is likely to be disruptive. Variants that disrupt the consensus splice site are a relatively common cause of aberrant splicing (PMID: 17576681, 9536098). Algorithms developed to predict the effect of sequence changes on RNA splicing suggest that this variant may disrupt the consensus splice site. In summary, the available evidence is currently insufficient to determine the role of this variant in disease. Therefore, it has been classified as a Variant of Uncertain Significance.

Literature cited by the submitters: PubMed 17576681; PubMed 9536098.

NM_006506.5(RASA2):c.1826G>A (p.Gly609Asp)

Gene: RASA2 (RAS p21 protein activator 2; plus strand). Cytogenetic location: 3q23.
Variant type: single nucleotide variant.
Coding change: c.1826G>A on transcript NM_006506.5 (MANE Select); coding-DNA position 1826, G replaced by A.
Protein change: p.Gly609Asp; replaces glycine 609 with aspartic acid.
Molecular consequence: missense variant.
Genome position (GRCh38, 1-based): chr3:141,586,098, G>A. VCF-style: chr3-141586098-G-A. GRCh37 (hg19) VCF-style: chr3-141304940-G-A.
Other names: c.1826G>A, p.Gly609Asp (NM_001303245.3, NM_001303246.3); short protein forms G609D.
Identifiers: ClinVar variation 4704199 (VCV004704199.1).